The following is an entry in ClinVar:

ClinVar aggregate classification (germline): Conflicting classifications of pathogenicity. Review status: criteria provided, conflicting classifications (1 of 4 stars). 2 submissions from 2 submitters: Uncertain significance (1); Likely benign (1). Last evaluated 2025-12-03.

Conditions:
Adams-Oliver syndrome 5 (AOS5). Identifiers: Orphanet 974, MedGen C4014970, MONDO:0014459, OMIM 616028.
Familial thoracic aortic aneurysm and aortic dissection (TAAD). Also called: Thoracic aortic aneurysms and dissections. Identifiers: Orphanet 91387, MedGen C4707243, MONDO:0019625.

Submissions (2):

Labcorp Genetics (formerly Invitae), Labcorp
Classification: Likely benign for Adams-Oliver syndrome 5. Last evaluated: 2025-12-03. Review status: criteria provided, single submitter. Criteria: Invitae Variant Classification Sherloc (09022015). Collection method: clinical testing. Allele origin: germline.

Ambry Genetics
Classification: Uncertain significance for Familial thoracic aortic aneurysm and aortic dissection. Last evaluated: 2023-01-22. Review status: criteria provided, single submitter. Criteria: Ambry Variant Classification Scheme 2023. Collection method: clinical testing. Allele origin: germline.
Comment: The p.R190L variant (also known as c.569G>T), located in coding exon 4 of the NOTCH1 gene, results from a G to T substitution at nucleotide position 569. The arginine at codon 190 is replaced by leucine, an amino acid with dissimilar properties. This amino acid position is poorly conserved in available vertebrate species, and leucine is the reference amino acid in other vertebrate species. In addition, this alteration is predicted to be tolerated by in silico analysis. Since supporting evidence is limited at this time, the clinical significance of this alteration remains unclear.

NM_017617.5(NOTCH1):c.569G>T (p.Arg190Leu)

Gene: NOTCH1 (notch receptor 1; minus strand). Cytogenetic location: 9q34.3.
Variant type: single nucleotide variant.
Coding change: c.569G>T on transcript NM_017617.5 (MANE Select); coding-DNA position 569, G replaced by T.
Protein change: p.Arg190Leu; replaces arginine 190 with leucine.
Molecular consequence: missense variant.
Genome position (GRCh38, 1-based): chr9:136,523,023, C>A on the plus strand (G>T on the coding strand, the complement: NOTCH1 is on the minus strand). VCF-style: chr9-136523023-C-A. GRCh37 (hg19) VCF-style: chr9-139417475-C-A.
Other names: short protein forms R190L.
Identifiers: ClinVar variation 1749135 (VCV001749135.4), dbSNP rs761616770, ClinGen allele CA5342128.